The following is an entry in ClinVar:

ClinVar aggregate classification (germline): Uncertain significance (1 of 4 stars; one submission).

Conditions:
Mucopolysaccharidosis, MPS-III-B (MPS3B). Also called: N-ACETYL-ALPHA-D-GLUCOSAMINIDASE DEFICIENCY; NAGLU DEFICIENCY; SANFILIPPO SYNDROME B; MPS III B; MPS IIIB (Sanfilippo Syndrome Type B); MUCOPOLYSACCHARIDOSIS, TYPE IIIB. Identifiers: Orphanet 79270, MedGen C0086648, MONDO:0009656, OMIM 252920.
Charcot-Marie-Tooth disease axonal type 2V. Also called: CHARCOT-MARIE-TOOTH NEUROPATHY, TYPE 2V; CHARCOT-MARIE-TOOTH DISEASE, AXONAL, AUTOSOMAL DOMINANT, TYPE 2V. Identifiers: Orphanet 447964, MedGen C5569050, MONDO:0014665, OMIM 616491.

Submission:

Labcorp Genetics (formerly Invitae), Labcorp
Classification: Uncertain significance for Charcot-Marie-Tooth disease axonal type 2V; Mucopolysaccharidosis, MPS-III-B. Last evaluated: 2022-09-27. Review status: criteria provided, single submitter. Criteria: Invitae Variant Classification Sherloc (09022015). Collection method: clinical testing. Allele origin: germline.
Comment: This variant is not present in population databases (gnomAD no frequency). In summary, the available evidence is currently insufficient to determine the role of this variant in disease. Therefore, it has been classified as a Variant of Uncertain Significance. Advanced modeling of protein sequence and biophysical properties (such as structural, functional, and spatial information, amino acid conservation, physicochemical variation, residue mobility, and thermodynamic stability) performed at Invitae indicates that this missense variant is expected to disrupt NAGLU protein function. ClinVar contains an entry for this variant (Variation ID: 1493202). This variant has not been reported in the literature in individuals affected with NAGLU-related conditions. This sequence change replaces serine, which is neutral and polar, with tyrosine, which is neutral and polar, at codon 104 of the NAGLU protein (p.Ser104Tyr).

NM_000263.4(NAGLU):c.311C>A (p.Ser104Tyr)

Gene: NAGLU (N-acetyl-alpha-glucosaminidase; plus strand). Cytogenetic location: 17q21.2.
Variant type: single nucleotide variant.
Coding change: c.311C>A on transcript NM_000263.4 (MANE Select); coding-DNA position 311, C replaced by A.
Protein change: p.Ser104Tyr; replaces serine 104 with tyrosine.
Molecular consequence: missense variant.
Genome position (GRCh38, 1-based): chr17:42,536,583, C>A. VCF-style: chr17-42536583-C-A. GRCh37 (hg19) VCF-style: chr17-40688601-C-A.
Other names: short protein forms S104Y.
Identifiers: ClinVar variation 1493202 (VCV001493202.6), dbSNP rs2143077245, ClinGen allele CA399596044.